The following is an entry in ClinVar:

ClinVar aggregate classification (germline): Uncertain significance. Review status: criteria provided, multiple submitters, no conflicts (2 of 4 stars). 2 submissions from 2 submitters: Uncertain significance (2). Last evaluated 2025-03-09.

Conditions:
Hereditary cancer-predisposing syndrome. Also called: Hereditary Cancer Syndrome; Hereditary neoplastic syndrome; Tumor predisposition; Neoplastic Syndromes, Hereditary. Identifiers: Orphanet 140162, MedGen C0027672, MeSH D009386, MONDO:0015356.
Rhabdoid tumor predisposition syndrome 2 (RTPS2). Identifiers: Orphanet 231108, Orphanet 69077, MedGen C2750074, MONDO:0013224, OMIM 613325.

Submissions (2):

Labcorp Genetics (formerly Invitae), Labcorp
Classification: Uncertain significance for Rhabdoid tumor predisposition syndrome 2. Last evaluated: 2025-03-09. Review status: criteria provided, single submitter. Criteria: Invitae Variant Classification Sherloc (09022015). Collection method: clinical testing. Allele origin: germline.
Comment: This sequence change replaces leucine, which is neutral and non-polar, with methionine, which is neutral and non-polar, at codon 8 of the SMARCA4 protein (p.Leu8Met). This variant is not present in population databases (gnomAD no frequency). This variant has not been reported in the literature in individuals affected with SMARCA4-related conditions. ClinVar contains an entry for this variant (Variation ID: 1789254). Experimental studies and prediction algorithms are not available or were not evaluated, and the functional significance of this variant is currently unknown. In summary, the available evidence is currently insufficient to determine the role of this variant in disease. Therefore, it has been classified as a Variant of Uncertain Significance.

Ambry Genetics
Classification: Uncertain significance for Hereditary cancer-predisposing syndrome. Last evaluated: 2021-03-17. Review status: criteria provided, single submitter. Criteria: Ambry Variant Classification Scheme 2023. Collection method: clinical testing. Allele origin: germline.
Comment: The p.L8M variant (also known as c.22C>A), located in coding exon 1 of the SMARCA4 gene, results from a C to A substitution at nucleotide position 22. The leucine at codon 8 is replaced by methionine, an amino acid with highly similar properties. This amino acid position is not well conserved in available vertebrate species. In addition, this alteration is predicted to be tolerated by in silico analysis. Missense and in-frame variants in SMARCA4 are known to cause neurodevelopmental disorders; however, such associations with rhabdoid tumor predisposition syndrome including small cell carcinoma of the ovary-hypercalcemic type (SCCOHT) are exceedingly rare (Kosho T et al. Am J Med Genet C Semin Med Genet. 2014 Sep;166C(3):262-75; Jelinic P et al. Nat Genet. 2014 May;46(5):424-6). Based on the supporting evidence, the association of this alteration with Coffin-Siris syndrome is unknown; however, the association of this alteration with rhabdoid tumor predisposition syndrome is unlikely.

NM_003072.5(SMARCA4):c.22C>A (p.Leu8Met)

Gene: SMARCA4 (SWI/SNF related BAF chromatin remodeling complex subunit ATPase 4; plus strand). Cytogenetic location: 19p13.2.
Variant type: single nucleotide variant.
Coding change: c.22C>A on transcript NM_003072.5 (MANE Select); coding-DNA position 22, C replaced by A.
Protein change: p.Leu8Met; replaces leucine 8 with methionine.
Molecular consequence: missense variant. On other transcripts: non-coding transcript variant (1).
Genome position (GRCh38, 1-based): chr19:10,984,173, C>A. VCF-style: chr19-10984173-C-A. GRCh37 (hg19) VCF-style: chr19-11094849-C-A.
Other names: c.22C>A, p.Leu8Met (NM_001128844.3, NM_001128845.2, NM_001128846.2 and 6 more transcripts); short protein forms L8M.
Identifiers: ClinVar variation 1789254 (VCV001789254.7), dbSNP rs1555750596, ClinGen allele CA404053890.
Genomic context (GRCh38, chr19:10,984,173, plus strand): 5'-TCTTCCAGCAGGAGGCCACTGTCTGCAGCTCCCGTGAAGATGTCCACTCCAGACCCACCC[C>A]TGGGCGGAACTCCTCGGCCAGGTCCTTCCCCGGGCCCTGGCCCTTCCCCTGGAGCCATGC-3'
Protein context (NP_003063.2, residues 1-18): MSTPDPP[Leu8Met]GGTPRPGPSP